The following is an entry in ClinVar:

NM_015346.4(ZFYVE26):c.3281T>G (p.Leu1094Arg)

Gene: ZFYVE26 (zinc finger FYVE-type containing 26; minus strand). Cytogenetic location: 14q24.1.
Variant type: single nucleotide variant.
Coding change: c.3281T>G on transcript NM_015346.4 (MANE Select); coding-DNA position 3281, T replaced by G.
Protein change: p.Leu1094Arg; replaces leucine 1094 with arginine.
Molecular consequence: missense variant.
Genome position (GRCh38, 1-based): chr14:67,785,881, A>C on the plus strand (T>G on the coding strand, the complement: ZFYVE26 is on the minus strand). VCF-style: chr14-67785881-A-C. GRCh37 (hg19) VCF-style: chr14-68252598-A-C.
Other names: short protein forms L1094R.
Identifiers: ClinVar variation 527977 (VCV000527977.8), dbSNP rs1555397549, ClinGen allele CA390172592.

ClinVar aggregate classification (germline): Uncertain significance (1 of 4 stars; one submission).

Conditions:
Spastic paraplegia. Identifiers: MedGen C0037772, HP:0001258.

Submission:

Labcorp Genetics (formerly Invitae), Labcorp
Classification: Uncertain significance for Spastic paraplegia. Last evaluated: 2017-08-31. Review status: criteria provided, single submitter. Criteria: Invitae Variant Classification Sherloc (09022015). Collection method: clinical testing. Allele origin: germline.
Comment: This variant has not been reported in the literature in individuals with ZFYVE26-related disease. This variant is not present in population databases (ExAC no frequency). This sequence change replaces leucine with arginine at codon 1094 of the ZFYVE26 protein (p.Leu1094Arg). The leucine residue is highly conserved and there is a moderate physicochemical difference between leucine and arginine. Algorithms developed to predict the effect of missense changes on protein structure and function (SIFT, PolyPhen-2, Align-GVGD) all suggest that this variant is likely to be disruptive, but these predictions have not been confirmed by published functional studies and their clinical significance is uncertain. In summary, the available evidence is currently insufficient to determine the role of this variant in disease. Therefore, it has been classified as a Variant of Uncertain Significance.